The following is an entry in ClinVar:

NM_003640.5(ELP1):c.410C>A (p.Thr137Lys)

Gene: ELP1 (elongator acetyltransferase complex subunit 1; minus strand). Cytogenetic location: 9q31.3.
Variant type: single nucleotide variant.
Coding change: c.410C>A on transcript NM_003640.5 (MANE Select); coding-DNA position 410, C replaced by A.
Protein change: p.Thr137Lys; replaces threonine 137 with lysine.
Molecular consequence: missense variant. On other transcripts: 5 prime UTR variant (1).
Genome position (GRCh38, 1-based): chr9:108,926,579, G>T on the plus strand (C>A on the coding strand, the complement: ELP1 is on the minus strand). VCF-style: chr9-108926579-G-T. GRCh37 (hg19) VCF-style: chr9-111688859-G-T.
Other names: p.Thr137Lys; c.410C>A (NM_003640.4); c.68C>A, p.Thr23Lys (NM_001318360.2); c.-450C>A (NM_001330749.2); short protein forms T137K, T23K.
Identifiers: ClinVar variation 1204993 (VCV001204993.16), dbSNP rs201460139, ClinGen allele CA5175368.

ClinVar aggregate classification (germline): Uncertain significance. Review status: criteria provided, multiple submitters, no conflicts (2 of 4 stars). 8 submissions from 8 submitters: Uncertain significance (7). 1 of the submissions does not count toward it. Last evaluated 2025-07-05.

Conditions:
Familial dysautonomia. Also called: HSAN III; FD. Identifiers: Orphanet 1764, MedGen C0013364, MONDO:0009131, OMIM 223900. Disease mechanism: loss of function.
Medulloblastoma (MDB). Also called: MEDULLOBLASTOMA PREDISPOSITION SYNDROME; Medulloblastoma, somatic. Identifiers: Orphanet 616, MedGen C0025149, MeSH D008527, MONDO:0007959, OMIM 155255, HP:0002885.
ELP1-related disorder. Also called: ELP1-related condition.

Allele frequency attached by ClinVar (database versions not stated): TOPMed 0.00002; ExAC 0.00003; gnomAD 0.00004; gnomAD exomes 0.00004.
gnomAD v4.1: 64 of 1,612,696 alleles (0.004%); highest among the groups gnomAD compares: Non-Finnish European, 0.0053%; no homozygotes.

Submissions (8):

GeneDx
Classification: Uncertain significance. Last evaluated: 2025-07-05. Review status: criteria provided, single submitter. Criteria: GeneDx Variant Classification Process June 2021. Collection method: clinical testing. Allele origin: germline. Affected: yes.
Comment: Not observed at significant frequency in large population cohorts (gnomAD); In silico analysis supports that this missense variant has a deleterious effect on protein structure/function; Has not been previously published as pathogenic or benign to our knowledge

PreventionGenetics, part of Exact Sciences
Classification: Uncertain significance for ELP1-related condition. Last evaluated: 2025-03-20. Review status: criteria provided, single submitter. Criteria: ACMG Guidelines, 2015. Collection method: clinical testing. Allele origin: germline.
Comment: The ELP1 c.410C>A variant is predicted to result in the amino acid substitution p.Thr137Lys. To our knowledge, this variant has not been reported in the literature. This variant is reported in 0.0093% of alleles in individuals of European (non-Finnish) descent in gnomAD. At this time, the clinical significance of this variant is uncertain due to the absence of conclusive functional and genetic evidence.

Blueprint Genetics
Classification: Uncertain significance. Last evaluated: 2024-07-03. Review status: criteria provided, single submitter. Criteria: ACMG Guidelines, 2015. Collection method: clinical testing. Allele origin: germline.

Fulgent Genetics
Classification: Uncertain significance for Medulloblastoma; Familial dysautonomia. Last evaluated: 2024-04-02. Review status: criteria provided, single submitter. Criteria: ACMG Guidelines, 2015. Collection method: clinical testing. Allele origin: germline.

Ambry Genetics
Classification: Uncertain significance. Last evaluated: 2022-10-26. Review status: criteria provided, single submitter. Criteria: Ambry Variant Classification Scheme 2023. Collection method: clinical testing. Allele origin: germline.

Mayo Clinic Laboratories, Mayo Clinic
Classification: Uncertain significance. Last evaluated: 2021-11-11. Review status: criteria provided, single submitter. Criteria: ACMG Guidelines, 2015. Collection method: clinical testing. Allele origin: germline.

Labcorp Genetics (formerly Invitae), Labcorp
Classification: Uncertain significance. Last evaluated: 2021-08-31. Review status: criteria provided, single submitter. Criteria: Invitae Variant Classification Sherloc (09022015). Collection method: clinical testing. Allele origin: germline.
Comment: This sequence change replaces threonine with lysine at codon 137 of the ELP1 protein (p.Thr137Lys). The threonine residue is moderately conserved and there is a moderate physicochemical difference between threonine and lysine. This variant is present in population databases (rs201460139, ExAC 0.02%). This variant has not been reported in the literature in individuals affected with ELP1-related conditions. Algorithms developed to predict the effect of missense changes on protein structure and function are either unavailable or do not agree on the potential impact of this missense change (SIFT: "Deleterious"; PolyPhen-2: "Probably Damaging"; Align-GVGD: "Class C0"). In summary, the available evidence is currently insufficient to determine the role of this variant in disease. Therefore, it has been classified as a Variant of Uncertain Significance.

Natera, Inc.
Classification: Uncertain significance for Familial dysautonomia. Last evaluated: 2020-05-06. Review status: no assertion criteria provided. Collection method: clinical testing. Allele origin: germline. Not counted in ClinVar's aggregate classification.